The following is an entry in ClinVar:

ClinVar aggregate classification (germline): Uncertain significance. Review status: criteria provided, multiple submitters, no conflicts (2 of 4 stars). 2 submissions from 2 submitters: Uncertain significance (2). Last evaluated 2025-10-07.

Conditions:
Inborn genetic diseases. Identifiers: MedGen C0950123, MeSH D030342.
Kabuki syndrome. Also called: NIIKAWA-KUROKI SYNDROME; Kabuki make-up syndrome. Identifiers: Orphanet 2322, MedGen C0796004, MONDO:0016512.

gnomAD v4.1: 2 of 1,613,520 alleles (0.00012%); highest among the groups gnomAD compares: South Asian, 0.0011%; no homozygotes.

Submissions (2):

Ambry Genetics
Classification: Uncertain significance for Inborn genetic diseases. Last evaluated: 2025-10-07. Review status: criteria provided, single submitter. Criteria: Ambry Variant Classification Scheme 2023. Collection method: clinical testing. Allele origin: germline.

Labcorp Genetics (formerly Invitae), Labcorp
Classification: Uncertain significance for Kabuki syndrome. Last evaluated: 2024-03-16. Review status: criteria provided, single submitter. Criteria: Invitae Variant Classification Sherloc (09022015). Collection method: clinical testing. Allele origin: germline.
Comment: This sequence change replaces leucine, which is neutral and non-polar, with proline, which is neutral and non-polar, at codon 1148 of the KMT2D protein (p.Leu1148Pro). This variant is not present in population databases (gnomAD no frequency). This variant has not been reported in the literature in individuals affected with KMT2D-related conditions. Advanced modeling of protein sequence and biophysical properties (such as structural, functional, and spatial information, amino acid conservation, physicochemical variation, residue mobility, and thermodynamic stability) performed at Invitae indicates that this missense variant is not expected to disrupt KMT2D protein function with a negative predictive value of 95%. In summary, the available evidence is currently insufficient to determine the role of this variant in disease. Therefore, it has been classified as a Variant of Uncertain Significance.

NM_003482.4(KMT2D):c.3443T>C (p.Leu1148Pro)

Genes: KMT2D (lysine methyltransferase 2D; minus strand), LOC126861520 (CDK7 strongly-dependent group 2 enhancer GRCh37_chr12:49442744-49443943; plus strand). Cytogenetic location: 12q13.12.
Variant type: single nucleotide variant.
Coding change: c.3443T>C on transcript NM_003482.4 (MANE Select); coding-DNA position 3443, T replaced by C.
Protein change: p.Leu1148Pro; replaces leucine 1148 with proline.
Molecular consequence: missense variant.
Genome position (GRCh38, 1-based): chr12:49,050,145, A>G on the plus strand (T>C on the coding strand, the complement: KMT2D is on the minus strand). VCF-style: chr12-49050145-A-G. GRCh37 (hg19) VCF-style: chr12-49443928-A-G.
Other names: short protein forms L1148P.
Identifiers: ClinVar variation 3635160 (VCV003635160.3).